The following is an entry in ClinVar:

NM_001395159.1(UNC79):c.5485C>T (p.Pro1829Ser)

Gene: UNC79 (unc-79 homolog, NALCN channel complex subunit; plus strand). Cytogenetic location: 14q32.12.
Variant type: single nucleotide variant.
Coding change: c.5485C>T on transcript NM_001395159.1 (MANE Select); coding-DNA position 5485, C replaced by T.
Protein change: p.Pro1829Ser; replaces proline 1829 with serine.
Molecular consequence: missense variant.
Genome position (GRCh38, 1-based): chr14:93,622,502, C>T. VCF-style: chr14-93622502-C-T. GRCh37 (hg19) VCF-style: chr14-94088848-C-T.
Other names: c.5419C>T, p.Pro1807Ser (NM_001346218.2); c.4738C>T, p.Pro1580Ser (NM_020818.5); short protein forms P1580S, P1807S, P1829S.
Identifiers: ClinVar variation 3774906 (VCV003774906.1).

ClinVar aggregate classification (germline): Uncertain significance (1 of 4 stars; one submission).

Submission:

GeneDx
Classification: Uncertain significance. Last evaluated: 2024-09-29. Review status: criteria provided, single submitter. Criteria: GeneDx Variant Classification Process June 2021. Collection method: clinical testing. Allele origin: germline. Affected: yes.
Comment: Not observed at significant frequency in large population cohorts (gnomAD); In silico analysis indicates that this missense variant does not alter protein structure/function; Has not been previously published as pathogenic or benign to our knowledge